The following is an entry in ClinVar:

NM_000426.4(LAMA2):c.7016G>A (p.Gly2339Glu)

Gene: LAMA2 (laminin subunit alpha 2; plus strand). Cytogenetic location: 6q22.33.
Variant type: single nucleotide variant.
Coding change: c.7016G>A on transcript NM_000426.4 (MANE Select); coding-DNA position 7016, G replaced by A.
Protein change: p.Gly2339Glu; replaces glycine 2339 with glutamic acid.
Molecular consequence: missense variant.
Genome position (GRCh38, 1-based): chr6:129,464,313, G>A. VCF-style: chr6-129464313-G-A. GRCh37 (hg19) VCF-style: chr6-129785458-G-A.
Other names: c.7016G>A, p.Gly2339Glu (NM_001079823.2); short protein forms G2339E.
Identifiers: ClinVar variation 1430188 (VCV001430188.5), dbSNP rs751193296, ClinGen allele CA3994421.
Genomic context (GRCh38, chr6:129,464,313, plus strand): 5'-ATATGATCTGATTCATGTGAAATGTCTCTCTTCTCAGTCCTCAGGTGGAAGATAGTGAGG[G>A]GACTATTCAATTTGATGGAGAAGGTTATGCATTGGTCAGCCGTCCCATTCGCTGGTACCC-3'
Protein context (NP_000417.3, residues 2329-2349): TVSPQVEDSE[Gly2339Glu]TIQFDGEGYA

ClinVar aggregate classification (germline): Uncertain significance (1 of 4 stars; one submission).

Conditions:
LAMA2-related muscular dystrophy (LAMA2-RD). Also called: Laminin alpha 2-related dystrophy. Identifiers: MedGen C5679788, MONDO:0100228.

Allele frequency attached by ClinVar (database versions not stated): ExAC 0.00001; gnomAD exomes 0.00001.
gnomAD v4.1: 8 of 1,612,026 alleles (0.0005%); highest among the groups gnomAD compares: South Asian, 0.0066%; no homozygotes.

Submission:

Labcorp Genetics (formerly Invitae), Labcorp
Classification: Uncertain significance for LAMA2-related muscular dystrophy. Last evaluated: 2022-06-27. Review status: criteria provided, single submitter. Criteria: Invitae Variant Classification Sherloc (09022015). Collection method: clinical testing. Allele origin: germline.
Comment: This sequence change replaces glycine, which is neutral and non-polar, with glutamic acid, which is acidic and polar, at codon 2339 of the LAMA2 protein (p.Gly2339Glu). This variant is present in population databases (rs751193296, gnomAD 0.006%). This variant has not been reported in the literature in individuals affected with LAMA2-related conditions. Advanced modeling of protein sequence and biophysical properties (such as structural, functional, and spatial information, amino acid conservation, physicochemical variation, residue mobility, and thermodynamic stability) performed at Invitae indicates that this missense variant is not expected to disrupt LAMA2 protein function. In summary, the available evidence is currently insufficient to determine the role of this variant in disease. Therefore, it has been classified as a Variant of Uncertain Significance.